The following is an entry in ClinVar:

NM_000293.3(PHKB):c.3003+2T>C

Gene: PHKB (phosphorylase kinase regulatory subunit beta; plus strand). Cytogenetic location: 16q12.1.
Variant type: single nucleotide variant.
Coding change: c.3003+2T>C on transcript NM_000293.3 (MANE Select); the canonical splice donor site of the intron after coding-DNA position 3003, T replaced by C.
Molecular consequence: splice donor variant.
Genome position (GRCh38, 1-based): chr16:47,696,490, T>C. VCF-style: chr16-47696490-T-C. GRCh37 (hg19) VCF-style: chr16-47730401-T-C.
Other names: c.3003+2T>C (NM_001363837.1); c.2982+2T>C (NM_001031835.3).
Identifiers: ClinVar variation 2743155 (VCV002743155.3), dbSNP rs2506732204, ClinGen allele CA396101228.

ClinVar aggregate classification (germline): Likely pathogenic (1 of 4 stars; one submission).

Conditions:
Glycogen storage disease IXb (GSD9B). Also called: GLYCOGENOSIS OF LIVER AND MUSCLE, AUTOSOMAL RECESSIVE; GSD IXb; PHOSPHORYLASE KINASE DEFICIENCY OF LIVER AND MUSCLE, AUTOSOMAL RECESSIVE. Identifiers: Orphanet 79240, MedGen C0543514, MONDO:0009868, OMIM 261750.

Submission:

Labcorp Genetics (formerly Invitae), Labcorp
Classification: Likely pathogenic for Glycogen storage disease IXb. Last evaluated: 2023-07-13. Review status: criteria provided, single submitter. Criteria: Invitae Variant Classification Sherloc (09022015). Collection method: clinical testing. Allele origin: germline.
Comment: This variant has not been reported in the literature in individuals affected with PHKB-related conditions. In summary, the currently available evidence indicates that the variant is pathogenic, but additional data are needed to prove that conclusively. Therefore, this variant has been classified as Likely Pathogenic. Algorithms developed to predict the effect of sequence changes on RNA splicing suggest that this variant may disrupt the consensus splice site. This variant is not present in population databases (gnomAD no frequency). This sequence change affects a donor splice site in intron 29 of the PHKB gene. It is expected to disrupt RNA splicing. Variants that disrupt the donor or acceptor splice site typically lead to a loss of protein function (PMID: 16199547), and loss-of-function variants in PHKB are known to be pathogenic (PMID: 9215682, 9326319).

Literature cited by the submitters: PubMed 16199547; PubMed 9215682; PubMed 9326319.